The following is an entry in ClinVar:

NM_025219.3(DNAJC5):c.340G>A (p.Gly114Ser)

Gene: DNAJC5 (DnaJ heat shock protein family (Hsp40) member C5; plus strand). Cytogenetic location: 20q13.33.
Variant type: single nucleotide variant.
Coding change: c.340G>A on transcript NM_025219.3 (MANE Select); coding-DNA position 340, G replaced by A.
Protein change: p.Gly114Ser; replaces glycine 114 with serine.
Molecular consequence: missense variant.
Genome position (GRCh38, 1-based): chr20:63,930,869, G>A. VCF-style: chr20-63930869-G-A. GRCh37 (hg19) VCF-style: chr20-62562222-G-A.
Other names: short protein forms G114S.
Identifiers: ClinVar variation 1046215 (VCV001046215.13), dbSNP rs995618637, ClinGen allele CA317521891.

ClinVar aggregate classification (germline): Uncertain significance. Review status: criteria provided, multiple submitters, no conflicts (2 of 4 stars). 4 submissions from 4 submitters: Uncertain significance (4). Last evaluated 2025-11-10.

Conditions:
Inborn genetic diseases. Identifiers: MedGen C0950123, MeSH D030342.
Neuronal ceroid lipofuscinosis. Also called: Neuronal Ceroid Lipofuscinoses. Identifiers: Orphanet 216, Orphanet 79263, MedGen C0027877, MONDO:0016295. Disease mechanism: loss of function.
Ceroid lipofuscinosis, neuronal, 4 (Kufs type) (CLN4). Also called: Neuronal ceroid lipofuscinosis 4B; Ceroid lipofuscinosis, neuronal, 4, Parry type. Identifiers: Orphanet 228343, Orphanet 79262, MedGen C1834207, MONDO:0008083, OMIM 162350.

Allele frequency attached by ClinVar (database versions not stated): gnomAD exomes below 0.00001 and 0.00001; TOPMed 0.00002; gnomAD 0.00003.
gnomAD v4.1: 19 of 1,613,122 alleles (0.0012%); highest among the groups gnomAD compares: African/African-American, 0.004%; no homozygotes.

Submissions (4):

Victorian Clinical Genetics Services, Murdoch Childrens Research Institute
Classification: Uncertain significance for Ceroid lipofuscinosis, neuronal, 4 (Kufs type). Last evaluated: 2025-11-10. Review status: criteria provided, single submitter. Criteria: ACMG Guidelines, 2015. Collection method: clinical testing. Allele origin: germline. Affected: yes.
Comment: This variant is classified as VUS-3B. Evidence in support of pathogenic classification: Variant is present in gnomAD <0.001 for a dominant condition (v4: 19 heterozygote(s), 0 homozygote(s)). Additional information: Variant is predicted to result in a missense amino acid change from Gly to Ser; This variant is heterozygous; This gene is associated with autosomal dominant disease; Previous evidence of pathogenicity for this variant is inconclusive. This variant has been classified as a VUS by clinical laboratories in ClinVar; No published evidence of segregation with disease has been identified for this variant; No published functional evidence has been identified for this variant; No comparable missense variants have previous evidence for pathogenicity; Variant is located in the annotated cysteine string protein alpha domain (PMID: 26659577). - Missense variant with inconclusive in silico prediction and/or uninformative conservation. An in silico splicing tool predicts an acceptor gain with high probability (SpliceAI); The mechanism of disease for this gene is not clearly established; Inheritance information for this variant is not currently available in this individual.

Labcorp Genetics (formerly Invitae), Labcorp
Classification: Uncertain significance for Neuronal ceroid lipofuscinosis. Last evaluated: 2025-01-17. Review status: criteria provided, single submitter. Criteria: Invitae Variant Classification Sherloc (09022015). Collection method: clinical testing. Allele origin: germline.
Comment: This sequence change replaces glycine, which is neutral and non-polar, with serine, which is neutral and polar, at codon 114 of the DNAJC5 protein (p.Gly114Ser). This variant is present in population databases (no rsID available, gnomAD 0.007%). This variant has not been reported in the literature in individuals affected with DNAJC5-related conditions. ClinVar contains an entry for this variant (Variation ID: 1046215). An algorithm developed to predict the effect of missense changes on protein structure and function (PolyPhen-2) suggests that this variant is likely to be disruptive. In summary, the available evidence is currently insufficient to determine the role of this variant in disease. Therefore, it has been classified as a Variant of Uncertain Significance.

Women's Health and Genetics/Laboratory Corporation of America, LabCorp
Classification: Uncertain significance. Last evaluated: 2024-11-27. Review status: criteria provided, single submitter. Criteria: LabCorp Variant Classification Summary - May 2015. Collection method: clinical testing. Allele origin: germline.
Comment: Variant summary: DNAJC5 c.340G>A (p.Gly114Ser) results in a non-conservative amino acid change in the encoded protein sequence. Three of five in-silico tools predict a benign effect of the variant on protein function. The variant allele was found at a frequency of 4e-06 in 250672 control chromosomes. The available data on variant occurrences in the general population are insufficient to allow any conclusion about variant significance. To our knowledge, no occurrence of c.340G>A in individuals affected with Ceroid lipofuscinosis, neuronal, 4 (Kufs type) and no experimental evidence demonstrating its impact on protein function have been reported. ClinVar contains an entry for this variant (Variation ID: 1046215). Based on the evidence outlined above, the variant was classified as uncertain significance.

Ambry Genetics
Classification: Uncertain significance for Inborn genetic diseases. Last evaluated: 2017-12-27. Review status: criteria provided, single submitter. Criteria: Ambry Variant Classification Scheme 2023. Collection method: clinical testing. Allele origin: germline.
Comment: The p.G114S variant (also known as c.340G>A), located in coding exon 3 of the DNAJC5 gene, results from a G to A substitution at nucleotide position 340. The glycine at codon 114 is replaced by serine, an amino acid with similar properties. This amino acid position is well conserved in available vertebrate species. In addition, the in silico prediction for this alteration is inconclusive. Since supporting evidence is limited at this time, the clinical significance of this alteration remains unclear.

Literature cited by the submitters: PubMed 26659577 (cited by Victorian Clinical Genetics Services, Murdoch Childrens Research Institute).